The following is an entry in ClinVar:

ClinVar aggregate classification (germline): Uncertain significance (1 of 4 stars; one submission).

Conditions:
Immunodeficiency, common variable, 10. Also called: IMMUNODEFICIENCY, COMMON VARIABLE, WITH CENTRAL ADRENAL INSUFFICIENCY; DEFICIT IN ANTERIOR PITUITARY FUNCTION AND VARIABLE IMMUNODEFICIENCY. Identifiers: MedGen C3809991, MONDO:0014260, OMIM 615577.

Submission:

Labcorp Genetics (formerly Invitae), Labcorp
Classification: Uncertain significance for Immunodeficiency, common variable, 10. Last evaluated: 2023-10-24. Review status: criteria provided, single submitter. Criteria: Invitae Variant Classification Sherloc (09022015). Collection method: clinical testing. Allele origin: germline.
Comment: This sequence change replaces glycine, which is neutral and non-polar, with arginine, which is basic and polar, at codon 600 of the NFKB2 protein (p.Gly600Arg). This variant also falls at the last nucleotide of exon 16, which is part of the consensus splice site for this exon. This variant is not present in population databases (gnomAD no frequency). This variant has not been reported in the literature in individuals affected with NFKB2-related conditions. An algorithm developed to predict the effect of missense changes on protein structure and function (PolyPhen-2) suggests that this variant is likely to be disruptive. Variants that disrupt the consensus splice site are a relatively common cause of aberrant splicing (PMID: 17576681, 9536098). Algorithms developed to predict the effect of sequence changes on RNA splicing suggest that this variant may disrupt the consensus splice site. In summary, the available evidence is currently insufficient to determine the role of this variant in disease. Therefore, it has been classified as a Variant of Uncertain Significance.

Literature cited by the submitters: PubMed 17576681; PubMed 9536098.

NM_001322934.2(NFKB2):c.1798G>A (p.Gly600Arg)

Gene: NFKB2 (nuclear factor kappa B subunit 2; plus strand). Cytogenetic location: 10q24.32.
Variant type: single nucleotide variant.
Coding change: c.1798G>A on transcript NM_001322934.2 (MANE Select); coding-DNA position 1798, G replaced by A.
Protein change: p.Gly600Arg; replaces glycine 600 with arginine.
Molecular consequence: missense variant.
Genome position (GRCh38, 1-based): chr10:102,400,491, G>A. VCF-style: chr10-102400491-G-A. GRCh37 (hg19) VCF-style: chr10-104160248-G-A.
Other names: c.1798G>A, p.Gly600Arg (NM_001077493.1, NM_001077494.3, NM_001261403.3 and 2 more transcripts); c.1672G>A, p.Gly558Arg (NM_001322935.1); short protein forms G558R, G600R.
Identifiers: ClinVar variation 2771593 (VCV002771593.3), dbSNP rs2544596485, ClinGen allele CA377902373.